The following is an entry in ClinVar:

NM_001042492.3(NF1):c.4743del (p.Glu1582fs)

Gene: NF1 (neurofibromin 1; plus strand). Cytogenetic location: 17q11.2.
Variant type: Deletion.
Coding change: c.4743del on transcript NM_001042492.3 (MANE Select); coding-DNA position 4743, one base deleted (A; older notation c.4743delA).
Protein change: p.Glu1582fs; shifts the reading frame from glutamic acid 1582.
Molecular consequence: frameshift variant.
Genome position (GRCh38, 1-based): chr17:31,265,247, A deleted; the last of 5 consecutive A bases (chr17:31,265,243-31,265,247); deleting any one gives the same sequence. VCF-style (leftmost placement, unchanged base first): chr17-31265242-GA-G. GRCh37 (hg19) VCF-style: chr17-29592260-GA-G.
Other names: c.4680delA, p.Glu1561Lysfs (NM_000267.4); short protein forms E1582fs, E1561fs.
Identifiers: ClinVar variation 2711275 (VCV002711275.3), dbSNP rs1567864972, ClinGen allele CA2697559539.

ClinVar aggregate classification (germline): Pathogenic (1 of 4 stars; one submission).

Conditions:
Neurofibromatosis, type 1 (NF1). Also called: Peripheral type neurofibromatosis; VON RECKLINGHAUSEN DISEASE; NEUROFIBROMATOSIS, TYPE I, SOMATIC; Neurofibromatosis, type I. Identifiers: Orphanet 636, MedGen C0027831, MONDO:0018975, OMIM 162200. Disease mechanism: loss of function.

Submission:

Labcorp Genetics (formerly Invitae), Labcorp
Classification: Pathogenic for Neurofibromatosis, type 1. Last evaluated: 2023-06-11. Review status: criteria provided, single submitter. Criteria: Invitae Variant Classification Sherloc (09022015). Collection method: clinical testing. Allele origin: germline.
Comment: For these reasons, this variant has been classified as Pathogenic. This variant has not been reported in the literature in individuals affected with NF1-related conditions. This variant is not present in population databases (gnomAD no frequency). This sequence change creates a premature translational stop signal (p.Glu1561Lysfs*6) in the NF1 gene. It is expected to result in an absent or disrupted protein product. Loss-of-function variants in NF1 are known to be pathogenic (PMID: 10712197, 23913538).

Literature cited by the submitters: PubMed 10712197; PubMed 23913538.